The following is an entry in ClinVar:

ClinVar aggregate classification (germline): Benign. Review status: criteria provided, single submitter (1 of 4 stars). 2 submissions from 2 submitters: Benign (1). 1 of the submissions does not count toward it. Last evaluated 2026-02-02.

Conditions:
EXT1-related disorder. Also called: EXT1-related condition.
Multiple congenital exostosis (EXT). Also called: Hereditary multiple osteochondromas; Hereditary multiple exostoses; Hereditary multiple exostosis; MULTIPLE CARTILAGINOUS EXOSTOSES; Multiple exostoses; Multiple osteochondromas. Identifiers: Orphanet 321, MedGen C0015306, MONDO:0005508, HP:0002762.

Allele frequency attached by ClinVar (database versions not stated): gnomAD 0.00003; TOPMed 0.00014.
gnomAD v4.1: 119 of 1,612,848 alleles (0.0074%); highest among the groups gnomAD compares: Admixed American, 0.19%; 3 homozygotes.

Submissions (2):

Labcorp Genetics (formerly Invitae), Labcorp
Classification: Benign for Multiple congenital exostosis. Last evaluated: 2026-02-02. Review status: criteria provided, single submitter. Criteria: Invitae Variant Classification Sherloc (09022015). Collection method: clinical testing. Allele origin: germline.

PreventionGenetics, part of Exact Sciences
Classification: Likely benign for EXT1-related condition. Last evaluated: 2024-06-19. Review status: no assertion criteria provided. Collection method: clinical testing. Allele origin: germline. Not counted in ClinVar's aggregate classification.
Comment: This variant is classified as likely benign based on ACMG/AMP sequence variant interpretation guidelines (Richards et al. 2015 PMID: 25741868, with internal and published modifications).

NM_000127.3(EXT1):c.1503C>G (p.Leu501=)

Gene: EXT1 (exostosin glycosyltransferase 1; minus strand). Cytogenetic location: 8q24.11.
Variant type: single nucleotide variant.
Coding change: c.1503C>G on transcript NM_000127.3 (MANE Select); coding-DNA position 1503, C replaced by G.
Protein change: p.Leu501=; no amino-acid change (leucine 501 retained).
Molecular consequence: synonymous variant.
Genome position (GRCh38, 1-based): chr8:117,819,709, G>C on the plus strand (C>G on the coding strand, the complement: EXT1 is on the minus strand). VCF-style: chr8-117819709-G-C. GRCh37 (hg19) VCF-style: chr8-118831948-G-C.
Identifiers: ClinVar variation 779751 (VCV000779751.12), dbSNP rs146108006, ClinGen allele CA4854122.
Genomic context (GRCh38, chr8:117,819,709, plus strand): 5'-GGGCTTCTCTGTCAACTTCCCGCTCACCTGGGCACAGTACTGGGACTTGGCTGCAGCCAC[G>C]AGAAGCTTCAACACTGGCTGGGACTGAGAGACCAGGGGGGTCACCGCATGGATGACTGCA-3'
Protein context (NP_000118.2, residues 491-511): VSQSQPVLKL[Leu501=]VAAAKSQYCA